The following is an entry in ClinVar:

ClinVar aggregate classification (germline): Conflicting classifications of pathogenicity. Review status: criteria provided, conflicting classifications (1 of 4 stars). 5 submissions from 5 submitters: Uncertain significance (2); Likely benign (1). 2 of the submissions do not count toward it. Last evaluated 2022-05-19.

Conditions:
Cardiovascular phenotype. Identifiers: MedGen CN230736.
Alstrom syndrome (ALMS). Identifiers: Orphanet 64, MedGen C0268425, MONDO:0008763, OMIM 203800.

Allele frequency attached by ClinVar (database versions not stated): TOPMed 0.00001; gnomAD exomes 0.00003.
gnomAD v4.1: 11 of 1,614,234 alleles (0.00068%); highest among the groups gnomAD compares: Admixed American, 0.013%; no homozygotes.

Submissions (5):

Labcorp Genetics (formerly Invitae), Labcorp
Classification: Uncertain significance for Alstrom syndrome. Last evaluated: 2022-05-19. Review status: criteria provided, single submitter. Criteria: Invitae Variant Classification Sherloc (09022015). Collection method: clinical testing. Allele origin: germline.
Comment: This sequence change replaces glutamic acid, which is acidic and polar, with aspartic acid, which is acidic and polar, at codon 2662 of the ALMS1 protein (p.Glu2662Asp). This variant is present in population databases (no rsID available, gnomAD 0.02%). This variant has not been reported in the literature in individuals affected with ALMS1-related conditions. ClinVar contains an entry for this variant (Variation ID: 529394). Algorithms developed to predict the effect of missense changes on protein structure and function output the following: SIFT: "Not Available"; PolyPhen-2: "Not Available"; Align-GVGD: "Not Available". The aspartic acid amino acid residue is found in multiple mammalian species, which suggests that this missense change does not adversely affect protein function. In summary, the available evidence is currently insufficient to determine the role of this variant in disease. Therefore, it has been classified as a Variant of Uncertain Significance.

Fulgent Genetics
Classification: Uncertain significance for Alstrom syndrome. Last evaluated: 2022-05-03. Review status: criteria provided, single submitter. Criteria: ACMG Guidelines, 2015. Collection method: clinical testing. Allele origin: unknown.

Ambry Genetics
Classification: Likely benign for Cardiovascular phenotype. Last evaluated: 2021-05-08. Review status: criteria provided, single submitter. Criteria: Ambry Variant Classification Scheme 2023. Collection method: clinical testing. Allele origin: germline.

Natera, Inc.
Classification: Uncertain significance for Alstrom syndrome. Last evaluated: 2020-09-16. Review status: no assertion criteria provided. Collection method: clinical testing. Allele origin: germline. Not counted in ClinVar's aggregate classification.

Counsyl
Classification: Uncertain significance for Alstrom syndrome. Last evaluated: 2017-10-04. Review status: no assertion criteria provided. Collection method: clinical testing. Allele origin: unknown. Not counted in ClinVar's aggregate classification.

NM_001378454.1(ALMS1):c.7983A>T (p.Glu2661Asp)

Gene: ALMS1 (ALMS1 centrosome and basal body associated protein; plus strand). Cytogenetic location: 2p13.1.
Variant type: single nucleotide variant.
Coding change: c.7983A>T on transcript NM_001378454.1 (MANE Select); coding-DNA position 7983, A replaced by T.
Protein change: p.Glu2661Asp; replaces glutamic acid 2661 with aspartic acid.
Molecular consequence: missense variant.
Genome position (GRCh38, 1-based): chr2:73,489,942, A>T. VCF-style: chr2-73489942-A-T. GRCh37 (hg19) VCF-style: chr2-73717069-A-T.
Other names: c.7986A>T, p.Glu2662Asp (NM_015120.4); short protein forms E2662D, E2661D.
Identifiers: ClinVar variation 529394 (VCV000529394.8), dbSNP rs1213279792, ClinGen allele CA347266739.